The following is an entry in ClinVar:

NM_018109.4(MTPAP):c.1344T>G (p.Phe448Leu)

Gene: MTPAP (mitochondrial poly(A) polymerase; minus strand). Cytogenetic location: 10p11.23.
Variant type: single nucleotide variant.
Coding change: c.1344T>G on transcript NM_018109.4 (MANE Select); coding-DNA position 1344, T replaced by G.
Protein change: p.Phe448Leu; replaces phenylalanine 448 with leucine.
Molecular consequence: missense variant.
Genome position (GRCh38, 1-based): chr10:30,316,005, A>C on the plus strand (T>G on the coding strand, the complement: MTPAP is on the minus strand). VCF-style: chr10-30316005-A-C. GRCh37 (hg19) VCF-style: chr10-30604934-A-C.
Other names: short protein forms F448L.
Identifiers: ClinVar variation 1309355 (VCV001309355.2), dbSNP rs2132844037, ClinGen allele CA376434998.
Genomic context (GRCh38, chr10:30,316,005, plus strand): 5'-TAGTAAAACATTATTTACCTGTCGAATATTTATGGAATTTTTATCGAAAGCAAAATTGCC[A>C]AAATACTCAAAAAATTCCTTCAGTAGTAATTCTGTAAGAAAATAAAACAAGGACAATCAG-3'
Protein context (NP_060579.3, residues 438-458): ELLLKEFFEY[Phe448Leu]GNFAFDKNSI

ClinVar aggregate classification (germline): Uncertain significance (1 of 4 stars; one submission).

Submission:

GeneDx
Classification: Uncertain significance. Last evaluated: 2019-10-09. Review status: criteria provided, single submitter. Criteria: GeneDx Variant Classification Process June 2021. Collection method: clinical testing. Allele origin: germline. Affected: yes.
Comment: Has not been previously published as pathogenic or benign to our knowledge; Not observed in large population cohorts (Lek et al., 2016); In silico analysis, which includes protein predictors and evolutionary conservation, supports a deleterious effect